The following is an entry in ClinVar:

NM_017849.4(TMEM127):c.85C>A (p.Arg29Ser)

Genes: TMEM127 (transmembrane protein 127; minus strand), LOC129934333 (ATAC-STARR-seq lymphoblastoid silent region 11759; plus strand). Cytogenetic location: 2q11.2.
Variant type: single nucleotide variant.
Coding change: c.85C>A on transcript NM_017849.4 (MANE Select); coding-DNA position 85, C replaced by A.
Protein change: p.Arg29Ser; replaces arginine 29 with serine.
Molecular consequence: missense variant. On other transcripts: intron variant (1).
Genome position (GRCh38, 1-based): chr2:96,265,297, G>T on the plus strand (C>A on the coding strand, the complement: TMEM127 is on the minus strand). VCF-style: chr2-96265297-G-T. GRCh37 (hg19) VCF-style: chr2-96931035-G-T.
Other names: c.85C>A, p.Arg29Ser (NM_001193304.3); c.-9+572C>A (NM_001407283.1); short protein forms R29S.
Identifiers: ClinVar variation 3227097 (VCV003227097.1), dbSNP rs2104308107, ClinGen allele CA347656144.

ClinVar aggregate classification (germline): Uncertain significance (1 of 4 stars; one submission).

Conditions:
Hereditary cancer-predisposing syndrome. Also called: Neoplastic Syndromes, Hereditary; Tumor predisposition; Hereditary neoplastic syndrome; Hereditary Cancer Syndrome. Identifiers: Orphanet 140162, MedGen C0027672, MeSH D009386, MONDO:0015356.

Submission:

Ambry Genetics
Classification: Uncertain significance for Hereditary cancer-predisposing syndrome. Last evaluated: 2023-11-29. Review status: criteria provided, single submitter. Criteria: Ambry Variant Classification Scheme 2023. Collection method: clinical testing. Allele origin: germline.
Comment: The p.R29S variant (also known as c.85C>A), located in coding exon 1 of the TMEM127 gene, results from a C to A substitution at nucleotide position 85. The arginine at codon 29 is replaced by serine, an amino acid with dissimilar properties. This amino acid position is conserved. In addition, this alteration is predicted to be deleterious by in silico analysis. Since supporting evidence is limited at this time, the clinical significance of this alteration remains unclear.